The following is an entry in ClinVar:

NM_003001.5(SDHC):c.49C>G (p.His17Asp)

Gene: SDHC (succinate dehydrogenase complex subunit C; plus strand). Cytogenetic location: 1q23.3.
Variant type: single nucleotide variant.
Coding change: c.49C>G on transcript NM_003001.5 (MANE Select); coding-DNA position 49, C replaced by G.
Protein change: p.His17Asp; replaces histidine 17 with aspartic acid.
Molecular consequence: missense variant. On other transcripts: 5 prime UTR variant (2), non-coding transcript variant (1), intron variant (4).
Genome position (GRCh38, 1-based): chr1:161,323,642, C>G. VCF-style: chr1-161323642-C-G. GRCh37 (hg19) VCF-style: chr1-161293432-C-G.
Other names: c.49C>G, p.His17Asp (NM_001035511.3, NM_001035512.3, NM_001278172.3 and 2 more transcripts); c.-63C>G (NM_001407119.1); c.-181C>G (NM_001407120.1); c.21-4754C>G (NM_001407116.1, NM_001407121.1, NM_001407117.1); c.20+9217C>G (NM_001035513.3); short protein forms H17D.
Identifiers: ClinVar variation 3793600 (VCV003793600.1).

ClinVar aggregate classification (germline): Uncertain significance (1 of 4 stars; one submission).

Conditions:
Hereditary cancer-predisposing syndrome. Also called: Neoplastic Syndromes, Hereditary; Hereditary Cancer Syndrome; Tumor predisposition; Hereditary neoplastic syndrome. Identifiers: Orphanet 140162, MedGen C0027672, MeSH D009386, MONDO:0015356.

Submission:

Ambry Genetics
Classification: Uncertain significance for Hereditary cancer-predisposing syndrome. Last evaluated: 2025-02-27. Review status: criteria provided, single submitter. Criteria: Ambry Variant Classification Scheme 2023. Collection method: clinical testing. Allele origin: germline.
Comment: The p.H17D variant (also known as c.49C>G), located in coding exon 2 of the SDHC gene, results from a C to G substitution at nucleotide position 49. The histidine at codon 17 is replaced by aspartic acid, an amino acid with similar properties. This amino acid position is conserved. In addition, this alteration is predicted to be deleterious by in silico analysis. Based on the available evidence, the clinical significance of this variant remains unclear.